The following is an entry in ClinVar:

NM_001267550.2(TTN):c.96478A>G (p.Ser32160Gly)

Genes: TTN (titin; minus strand), TTN-AS1 (TTN antisense RNA 1; plus strand), LOC126806421 (CDK7 strongly-dependent group 2 enhancer GRCh37_chr2:179407630-179408829; plus strand). Cytogenetic location: 2q31.2.
Variant type: single nucleotide variant.
Coding change: c.96478A>G on transcript NM_001267550.2 (MANE Select); coding-DNA position 96478, A replaced by G.
Protein change: p.Ser32160Gly; replaces serine 32160 with glycine.
Molecular consequence: missense variant.
Genome position (GRCh38, 1-based): chr2:178,543,495, T>C on the plus strand (A>G on the coding strand, the complement: TTN is on the minus strand). VCF-style: chr2-178543495-T-C. GRCh37 (hg19) VCF-style: chr2-179408222-T-C.
Other names: c.88774A>G, p.Ser29592Gly (NM_133378.4); c.91555A>G, p.Ser30519Gly (NM_001256850.1); c.69283A>G, p.Ser23095Gly (NM_003319.4); c.69658A>G, p.Ser23220Gly (NM_133432.3); c.69859A>G, p.Ser23287Gly (NM_133437.4); short protein forms S29592G, S32160G, S23095G, S30519G, S23220G, S23287G.
Identifiers: ClinVar variation 179502 (VCV000179502.5), dbSNP rs727504907, ClinGen allele CA184551.

ClinVar aggregate classification (germline): Uncertain significance (1 of 4 stars; one submission).

Submission:

Laboratory for Molecular Medicine, Mass General Brigham Personalized Medicine
Classification: Uncertain significance. Last evaluated: 2014-01-28. Review status: criteria provided, single submitter. Criteria: LMM Criteria. Collection method: clinical testing. Allele origin: germline. Observed: 1 variant allele.
Comment: The Ser29592Gly variant in TTN has not been reported in individuals with cardiom yopathy or in large population studies. Computational analyses (biochemical amin o acid properties, conservation, AlignGVGD, PolyPhen2, and SIFT) do not provide strong support for or against an impact to the protein. Additional information i s needed to fully assess the clinical significance of the Ser29592Gly variant.